The following is an entry in ClinVar:

ClinVar aggregate classification (germline): Uncertain significance. Review status: criteria provided, multiple submitters, no conflicts (2 of 4 stars). 2 submissions from 2 submitters: Uncertain significance (2). Last evaluated 2025-06-16.

Conditions:
Hereditary cancer-predisposing syndrome. Also called: Hereditary neoplastic syndrome; Neoplastic Syndromes, Hereditary; Tumor predisposition; Hereditary Cancer Syndrome. Identifiers: Orphanet 140162, MedGen C0027672, MeSH D009386, MONDO:0015356.
Neuroblastoma, susceptibility to, 3. Also called: ALK-Related Neuroblastic Tumor Susceptibility. Identifiers: Orphanet 635, MedGen C2751681, MONDO:0013083, OMIM 613014.

Allele frequency attached by ClinVar (database versions not stated): gnomAD below 0.00001 and 0.00002; gnomAD exomes 0.00001; ExAC 0.00002.
gnomAD v4.1: 16 of 1,613,958 alleles (0.00099%); highest among the groups gnomAD compares: South Asian, 0.018%; 1 homozygote.

Submissions (2):

Labcorp Genetics (formerly Invitae), Labcorp
Classification: Uncertain significance for Neuroblastoma, susceptibility to, 3. Last evaluated: 2025-06-16. Review status: criteria provided, single submitter. Criteria: Invitae Variant Classification Sherloc (09022015). Collection method: clinical testing. Allele origin: germline.
Comment: This sequence change replaces lysine, which is basic and polar, with glutamic acid, which is acidic and polar, at codon 250 of the ALK protein (p.Lys250Glu). This variant is present in population databases (rs767630195, gnomAD 0.01%). This variant has not been reported in the literature in individuals affected with ALK-related conditions. ClinVar contains an entry for this variant (Variation ID: 1043366). An algorithm developed to predict the effect of missense changes on protein structure and function (PolyPhen-2) suggests that this variant is likely to be disruptive. In summary, the available evidence is currently insufficient to determine the role of this variant in disease. Therefore, it has been classified as a Variant of Uncertain Significance.

Ambry Genetics
Classification: Uncertain significance for Hereditary cancer-predisposing syndrome. Last evaluated: 2024-11-17. Review status: criteria provided, single submitter. Criteria: Ambry Variant Classification Scheme 2023. Collection method: clinical testing. Allele origin: germline.
Comment: The p.K250E variant (also known as c.748A>G), located in coding exon 2 of the ALK gene, results from an A to G substitution at nucleotide position 748. The lysine at codon 250 is replaced by glutamic acid, an amino acid with similar properties. This amino acid position is conserved. In addition, the in silico prediction for this alteration is inconclusive. Since supporting evidence is limited at this time, the clinical significance of this alteration remains unclear.

NM_004304.5(ALK):c.748A>G (p.Lys250Glu)

Gene: ALK (ALK receptor tyrosine kinase; minus strand). Cytogenetic location: 2p23.2.
Variant type: single nucleotide variant.
Coding change: c.748A>G on transcript NM_004304.5 (MANE Select); coding-DNA position 748, A replaced by G.
Protein change: p.Lys250Glu; replaces lysine 250 with glutamic acid.
Molecular consequence: missense variant.
Genome position (GRCh38, 1-based): chr2:29,717,617, T>C on the plus strand (A>G on the coding strand, the complement: ALK is on the minus strand). VCF-style: chr2-29717617-T-C. GRCh37 (hg19) VCF-style: chr2-29940483-T-C.
Other names: short protein forms K250E.
Identifiers: ClinVar variation 1043366 (VCV001043366.12), dbSNP rs767630195, ClinGen allele CA1594881.
Genomic context (GRCh38, chr2:29,717,617, plus strand): 5'-AAATATTAAACATATACTTACCATATCGGCTGCGATGAGACAGGAAAGGGAAGGAGTCTT[T>C]CATTATCCAGGTGAGATTCCATGTAAAATAATCAGGAGAAGGAGAAGGCATGTTTGTTGG-3'
Protein context (NP_004295.2, residues 240-260): YFTWNLTWIM[Lys250Glu]DSFPFLSHRS